The following is an entry in ClinVar:

NM_025144.4(ALPK1):c.700G>A (p.Gly234Ser)

Gene: ALPK1 (alpha kinase 1; plus strand). Cytogenetic location: 4q25.
Variant type: single nucleotide variant.
Coding change: c.700G>A on transcript NM_025144.4 (MANE Select); coding-DNA position 700, G replaced by A.
Protein change: p.Gly234Ser; replaces glycine 234 with serine.
Molecular consequence: missense variant.
Genome position (GRCh38, 1-based): chr4:112,427,570, G>A. VCF-style: chr4-112427570-G-A. GRCh37 (hg19) VCF-style: chr4-113348726-G-A.
Other names: c.700G>A, p.Gly234Ser (NM_001102406.2); c.466G>A, p.Gly156Ser (NM_001253884.2); short protein forms G156S, G234S.
Identifiers: ClinVar variation 3002663 (VCV003002663.3), dbSNP rs1186439610, ClinGen allele CA357888316.

ClinVar aggregate classification (germline): Uncertain significance (1 of 4 stars; one submission).

Allele frequency attached by ClinVar (database versions not stated): gnomAD exomes below 0.00001; gnomAD 0.00001; TOPMed 0.00002.
gnomAD v4.1: 2 of 1,612,472 alleles (0.00012%); highest among the groups gnomAD compares: Admixed American, 0.0017%; no homozygotes.

Submission:

Labcorp Genetics (formerly Invitae), Labcorp
Classification: Uncertain significance. Last evaluated: 2023-03-14. Review status: criteria provided, single submitter. Criteria: Invitae Variant Classification Sherloc (09022015). Collection method: clinical testing. Allele origin: germline.
Comment: This variant has not been reported in the literature in individuals affected with ALPK1-related conditions. This variant is present in population databases (no rsID available, gnomAD 0.007%). This sequence change replaces glycine, which is neutral and non-polar, with serine, which is neutral and polar, at codon 234 of the ALPK1 protein (p.Gly234Ser). An algorithm developed to predict the effect of missense changes on protein structure and function (PolyPhen-2) suggests that this variant is likely to be disruptive. In summary, the available evidence is currently insufficient to determine the role of this variant in disease. Therefore, it has been classified as a Variant of Uncertain Significance.